The following is an entry in ClinVar:

NM_001378418.1(TCF20):c.1351C>T (p.Pro451Ser)

Gene: TCF20 (transcription factor 20; minus strand). Cytogenetic location: 22q13.2.
Variant type: single nucleotide variant.
Coding change: c.1351C>T on transcript NM_001378418.1 (MANE Select); coding-DNA position 1351, C replaced by T.
Protein change: p.Pro451Ser; replaces proline 451 with serine.
Molecular consequence: missense variant.
Genome position (GRCh38, 1-based): chr22:42,213,955, G>A on the plus strand (C>T on the coding strand, the complement: TCF20 is on the minus strand). VCF-style: chr22-42213955-G-A. GRCh37 (hg19) VCF-style: chr22-42609961-G-A.
Other names: c.1351C>T, p.Pro451Ser (NM_005650.4, NM_181492.3); short protein forms P451S.
Identifiers: ClinVar variation 3360260 (VCV003360260.1).

ClinVar aggregate classification (germline): Uncertain significance (1 of 4 stars; one submission).

Submission:

GeneDx
Classification: Uncertain significance. Last evaluated: 2023-06-27. Review status: criteria provided, single submitter. Criteria: GeneDx Variant Classification Process June 2021. Collection method: clinical testing. Allele origin: germline. Affected: yes.
Comment: Not observed at significant frequency in large population cohorts (gnomAD); In silico analysis supports that this missense variant does not alter protein structure/function; Has not been previously published as pathogenic or benign to our knowledge